The following is an entry in ClinVar:

NM_001145809.2(MYH14):c.526G>A (p.Ala176Thr)

Gene: MYH14 (myosin heavy chain 14; plus strand). Cytogenetic location: 19q13.33.
Variant type: single nucleotide variant.
Coding change: c.526G>A on transcript NM_001145809.2 (MANE Select); coding-DNA position 526, G replaced by A.
Protein change: p.Ala176Thr; replaces alanine 176 with threonine.
Molecular consequence: missense variant.
Genome position (GRCh38, 1-based): chr19:50,217,735, G>A. VCF-style: chr19-50217735-G-A. GRCh37 (hg19) VCF-style: chr19-50720992-G-A.
Other names: c.526G>A, p.Ala176Thr (NM_001077186.2, NM_024729.4); short protein forms A176T.
Identifiers: ClinVar variation 228878 (VCV000228878.72), dbSNP rs138001307, ClinGen allele CA9592282.
Genomic context (GRCh38, chr19:50,217,735, plus strand): 5'-GAAGCCATTGTGGAGATGTACCGGGGCAAGAAGCGCCACGAGGTGCCACCCCACGTGTAC[G>A]CAGTGACCGAGGGGGCCTATCGGAGCATGCTGCAGGGTGAGTGCTGGGTGGGGCTGTAGG-3'
Protein context (NP_001139281.1, residues 166-186): KRHEVPPHVY[Ala176Thr]VTEGAYRSML

ClinVar aggregate classification (germline): Conflicting classifications of pathogenicity. Review status: criteria provided, conflicting classifications (1 of 4 stars). 12 submissions from 12 submitters: Pathogenic (1); Uncertain significance (7); Likely benign (3). 1 of the submissions does not count toward it. Last evaluated 2025-09-18.

Conditions:
MYH14-related disorder. Also called: MYH14-related condition.
Meniere disease. Also called: Ménière's disease. Identifiers: MedGen C0025281, MONDO:0007972, OMIM 156000.
Autosomal dominant nonsyndromic hearing loss 4A. Also called: Deafness, autosomal dominant 4A. Identifiers: Orphanet 90635, MedGen C1833503, MONDO:0010915, OMIM 600652.

Allele frequency attached by ClinVar (database versions not stated): TOPMed 0.00013; gnomAD 0.00014; ESP Exome Variant Server 0.00016; 1000 Genomes Project 30x 0.00031; 1000 Genomes Project 0.00040.
gnomAD v4.1: 336 of 1,613,914 alleles (0.021%); highest among the groups gnomAD compares: Middle Eastern, 0.066%; no homozygotes.

Submissions (12):

Labcorp Genetics (formerly Invitae), Labcorp
Classification: Likely benign. Last evaluated: 2025-09-18. Review status: criteria provided, single submitter. Criteria: Invitae Variant Classification Sherloc (09022015). Collection method: clinical testing. Allele origin: germline.

Dasa
Classification: Uncertain significance. Last evaluated: 2025-07-18. Review status: criteria provided, single submitter. Criteria: DASA Assertion Criteria. Collection method: clinical testing. Allele origin: germline.
Comment: NM_001145809.2(MYH14):c.526G>A (p.Ala176Thr) is a missense variant that results in the substitution of alanine with threonine. This variant has been reported in individuals with MYH14-related disorders. Also, this variant is rare in population databases. Computational prediction algorithms are consistent with a deleterious effect. The currently available literature and clinical evidence are not sufficient to establish a definitive association between this variant and the reported condition. Therefore, this variant is classified as a variant of uncertain significance.

Women's Health and Genetics/Laboratory Corporation of America, LabCorp
Classification: Likely benign. Last evaluated: 2025-06-23. Review status: criteria provided, single submitter. Criteria: LabCorp Variant Classification Summary - May 2015. Collection method: clinical testing. Allele origin: germline.
Comment: Variant summary: MYH14 c.526G>A (p.Ala176Thr) results in a non-conservative amino acid change located in the Myosin head, motor domain (IPR001609) of the encoded protein sequence. Algorithms developed to predict the effect of missense changes on protein structure and function all suggest that this variant is likely to be disruptive. The variant allele was found at a frequency of 0.00017 in 248994 control chromosomes, predominantly at a frequency of 0.00026 within the Non-Finnish European subpopulation in the gnomAD database. The observed variant frequency within Non-Finnish European control individuals in the gnomAD database is approximately 416 fold of the estimated maximal expected allele frequency for a pathogenic variant in MYH14 causing Autosomal dominant nonsyndromic hearing loss 4A phenotype (6.3e-07). c.526G>A has been observed in at least one individual affected with Deafness, Autosomal Dominant 4 (Chen_2016). These report(s) do not provide unequivocal conclusions about association of the variant with Autosomal dominant nonsyndromic hearing loss 4A. To our knowledge, no experimental evidence demonstrating an impact on protein function has been reported. The following publications have been ascertained in the context of this evaluation (PMID: 27610647, 34681017). ClinVar contains an entry for this variant (Variation ID: 228878). Based on the evidence outlined above, the variant was classified as likely benign.

PreventionGenetics, part of Exact Sciences
Classification: Uncertain significance for MYH14-related condition. Last evaluated: 2025-03-10. Review status: criteria provided, single submitter. Criteria: ACMG Guidelines, 2015. Collection method: clinical testing. Allele origin: germline.
Comment: The MYH14 c.526G>A variant is predicted to result in the amino acid substitution p.Ala176Thr. This variant was reported in the heterozygous state in two unrelated individuals with hearing loss (Chen et al. 2016. PubMed ID: 27610647; Figure S3, Duman et al. 2024. PubMed ID: 38352997). This variant is reported in 0.026% of alleles in individuals of European (Non-Finnish) descent in gnomAD, including over 300 heterozygotes in the gnomAD v4.1.0 database. Although we suspect that this variant may be benign, at this time, the clinical significance of this variant is uncertain due to the absence of conclusive functional and genetic evidence.

Laboratory of Prof. Karen Avraham, Tel Aviv University
Classification: Pathogenic for Autosomal dominant nonsyndromic hearing loss 4A. Last evaluated: 2024-05-30. Review status: criteria provided, single submitter. Criteria: ACMG Guidelines, 2015. Collection method: research. Allele origin: germline. Affected: yes. Observed: 1 variant allele.
Comment: Pathogenic by Deafness Variatiob Database based on PMID: 27610647

DFNA4A; sloping audiogram, moderate - profound HL

Miami Human Genetics, University Of Miami Miller School Of Medicine
Classification: Uncertain significance for Autosomal dominant nonsyndromic hearing loss 4A. Last evaluated: 2023-06-02. Review status: criteria provided, single submitter. Criteria: ACMG Guidelines, 2015. Collection method: research. Allele origin: germline. Inheritance: Autosomal dominant inheritance. Affected: yes.

GeneDx
Classification: Likely benign. Last evaluated: 2020-11-13. Review status: criteria provided, single submitter. Criteria: GeneDx Variant Classification Process June 2021. Collection method: clinical testing. Allele origin: germline. Affected: yes.
Comment: This variant is associated with the following publications: (PMID: 27610647)

CeGaT Center for Human Genetics Tuebingen
Classification: Uncertain significance. Last evaluated: 2018-05-01. Review status: criteria provided, single submitter. Criteria: CeGaT Center For Human Genetics Tuebingen Variant Classification Criteria Version 2. Collection method: clinical testing. Allele origin: germline. Affected: yes. Observed: 1 variant allele.

Illumina Laboratory Services, Illumina
Classification: Uncertain significance for Autosomal dominant nonsyndromic hearing loss 4A. Last evaluated: 2018-01-12. Review status: criteria provided, single submitter. Criteria: ICSL Variant Classification Criteria 13 December 2019. Collection method: clinical testing. Allele origin: germline.

ARUP Laboratories, Molecular Genetics and Genomics, ARUP Laboratories
Classification: Uncertain significance. Last evaluated: 2017-08-23. Review status: criteria provided, single submitter. Criteria: ARUP Molecular Germline Variant Investigation Process. Collection method: clinical testing. Allele origin: germline.
Comment: The p.Ala176Thr variant has not been reported in the medical literature, and is not listed in gene-specific variant databases. The p.Ala176Thr variant is listed in the Genome Aggregation Database (gnomAD) browser with an allele frequency of 0.028% in the non-Finnish European population (identified in 31 out of 111,448 chromosomes), and is classified as a variant of uncertain significance in ClinVar (Variant ID: 228878). The alanine at codon 176 is highly conserved considering 7 species up to cow (Alamut software v2.9.0), and computational analyses suggest that this variant affects the MYH14 protein structure/function (SIFT: damaging, PolyPhen2: probably damaging, MutationTaster: disease causing). Based on the available information, the clinical significance of the p.Ala176Thr variant cannot be determined with certainty.

Laboratory for Molecular Medicine, Mass General Brigham Personalized Medicine
Classification: Uncertain significance. Last evaluated: 2015-06-01. Review status: criteria provided, single submitter. Criteria: LMM Criteria. Collection method: clinical testing. Allele origin: germline. Observed: 2 variant alleles.
Comment: The p.Ala176Thr variant in MYH14 has not been previously reported in individuals with hearing loss. This variant has been identified in 0.03% 18/67222 European chromosomes by the Exome Aggregation Consortium (ExAC; dbSNP rs138001307). Although this variant has been seen in the general p opulation, its frequency is not high enough to rule out a pathogenic role. Compu tational prediction tools and conservation analyses suggest that the p.Ala176Thr variant may impact the protein, though this information is not predictive enoug h to determine pathogenicity. In summary, the clinical significance of the p.Ala 176Thr variant is uncertain.

Center for Computational Biology & Bioinformatics, University of California, San Diego
Classification: Uncertain significance for Meniere disease. Last evaluated: 2024-06-03. Review status: no assertion criteria provided. Collection method: research. Allele origin: germline. Affected: yes. Not counted in ClinVar's aggregate classification.

Literature cited by the submitters: PubMed 27610647 (cited by Women's Health and Genetics/Laboratory Corporation of America, LabCorp); PubMed 34681017 (cited by Women's Health and Genetics/Laboratory Corporation of America, LabCorp).